The following is an entry in ClinVar:

NM_000252.3(MTM1):c.1314dup (p.Leu439fs)

Gene: MTM1 (myotubularin 1; plus strand). Cytogenetic location: Xq28.
Variant type: Duplication.
Coding change: c.1314dup on transcript NM_000252.3 (MANE Select); coding-DNA position 1314, one base duplicated (T; older notation c.1314dupT).
Protein change: p.Leu439fs; shifts the reading frame from leucine 439.
Molecular consequence: frameshift variant.
Genome position (GRCh38, 1-based): chrX:150,659,717, T duplicated; the last of 5 consecutive T bases (chrX:150,659,713-150,659,717); duplicating any one gives the same sequence. VCF-style (leftmost placement, unchanged base first): chrX-150659712-A-AT. GRCh37 (hg19) VCF-style: chrX-149828185-A-AT.
Other names: c.1314dup, p.Leu439fs (NM_001376906.1, NM_001376908.1); c.1203dup, p.Leu402fs (NM_001376907.1); short protein forms L402fs, L439fs.
Identifiers: ClinVar variation 3338827 (VCV003338827.1).

ClinVar aggregate classification (germline): Pathogenic (1 of 4 stars; one submission).

Submission:

GeneDx
Classification: Pathogenic. Last evaluated: 2024-03-08. Review status: criteria provided, single submitter. Criteria: GeneDx Variant Classification Process June 2021. Collection method: clinical testing. Allele origin: germline. Affected: yes.
Comment: Identified in a neonate with severe myotubular myopathy in published literature (PMID: 17621527); Frameshift variant predicted to result in protein truncation or nonsense mediated decay in a gene for which loss of function is a known mechanism of disease; Not observed at significant frequency in large population cohorts (gnomAD); This variant is associated with the following publications: (PMID: 17621527)